The following is an entry in ClinVar:

NM_016222.4(DDX41):c.420C>G (p.Asp140Glu)

Gene: DDX41 (DEAD-box helicase 41; minus strand). Cytogenetic location: 5q35.3.
Variant type: single nucleotide variant.
Coding change: c.420C>G on transcript NM_016222.4 (MANE Select); coding-DNA position 420, C replaced by G.
Protein change: p.Asp140Glu; replaces aspartic acid 140 with glutamic acid.
Molecular consequence: missense variant.
Genome position (GRCh38, 1-based): chr5:177,515,943, G>C on the plus strand (C>G on the coding strand, the complement: DDX41 is on the minus strand). VCF-style: chr5-177515943-G-C. GRCh37 (hg19) VCF-style: chr5-176942944-G-C.
Other names: c.420C>G (NM_016222.2); c.42C>G, p.Asp14Glu (NM_001321732.2, NM_001321830.2); short protein forms D14E, D140E.
Identifiers: ClinVar variation 2104805 (VCV002104805.5), dbSNP rs1461623455, ClinGen allele CA362376313.
Genomic context (GRCh38, chr5:177,515,943, plus strand): 5'-CATGTACCATCCTAAGCAAGGGCAACTGCAGACTGTACAGACATACCTGGTTTTGATGGG[G>C]TCATCATACGTAATGCCCTTAGCCATCTCCTTCACTGACATCAATGCTGAAGAGAGAGAC-3'
Protein context (NP_057306.2, residues 130-150): KEMAKGITYD[Asp140Glu]PIKTSWTPPR

ClinVar aggregate classification (germline): Uncertain significance. Review status: criteria provided, multiple submitters, no conflicts (2 of 4 stars). 2 submissions from 2 submitters: Uncertain significance (2). Last evaluated 2025-07-10.

Conditions:
Inborn genetic diseases. Identifiers: MedGen C0950123, MeSH D030342.

Submissions (2):

Ambry Genetics
Classification: Uncertain significance for Inborn genetic diseases. Last evaluated: 2025-07-10. Review status: criteria provided, single submitter. Criteria: Ambry Variant Classification Scheme 2023. Collection method: clinical testing. Allele origin: germline.
Comment: The p.D140E variant (also known as c.420C>G), located in coding exon 5 of the DDX41 gene, results from a C to G substitution at nucleotide position 420. The aspartic acid at codon 140 is replaced by glutamic acid, an amino acid with highly similar properties. This amino acid position is conserved. In addition, this alteration is predicted to be tolerated by in silico analysis. Based on the available evidence, the clinical significance of this variant remains unclear.

Labcorp Genetics (formerly Invitae), Labcorp
Classification: Uncertain significance. Last evaluated: 2022-02-28. Review status: criteria provided, single submitter. Criteria: Invitae Variant Classification Sherloc (09022015). Collection method: clinical testing. Allele origin: germline.
Comment: In summary, the available evidence is currently insufficient to determine the role of this variant in disease. Therefore, it has been classified as a Variant of Uncertain Significance. Algorithms developed to predict the effect of missense changes on protein structure and function are either unavailable or do not agree on the potential impact of this missense change (SIFT: "Not Available"; PolyPhen-2: "Benign"; Align-GVGD: "Not Available"). This variant has not been reported in the literature in individuals affected with DDX41-related conditions. This variant is present in population databases (no rsID available, gnomAD 0.0009%). This sequence change replaces aspartic acid, which is acidic and polar, with glutamic acid, which is acidic and polar, at codon 140 of the DDX41 protein (p.Asp140Glu).